The following is an entry in ClinVar:

ClinVar aggregate classification (germline): Conflicting classifications of pathogenicity. Review status: criteria provided, conflicting classifications (1 of 4 stars). 2 submissions from 2 submitters: Uncertain significance (1); Likely benign (1). Last evaluated 2025-09-16.

Conditions:
Fanconi anemia (FA). Also called: Fanconi's anemia. Identifiers: Orphanet 84, MedGen C0015625, MeSH D005199, MONDO:0019391.

Allele frequency attached by ClinVar (database versions not stated): gnomAD exomes below 0.00001.
gnomAD v4.1: 1 of 1,592,726 alleles (0.000063%); highest among the groups gnomAD compares: Admixed American, 0.0017%; no homozygotes.

Submissions (2):

Labcorp Genetics (formerly Invitae), Labcorp
Classification: Likely benign for Fanconi anemia. Last evaluated: 2025-09-16. Review status: criteria provided, single submitter. Criteria: Invitae Variant Classification Sherloc (09022015). Collection method: clinical testing. Allele origin: germline.

GeneDx
Classification: Uncertain significance. Last evaluated: 2025-03-25. Review status: criteria provided, single submitter. Criteria: GeneDx Variant Classification Process June 2021. Collection method: clinical testing. Allele origin: germline.
Comment: Not observed at significant frequency in large population cohorts (gnomAD); Has not been previously published as pathogenic or benign to our knowledge; In silico analysis suggests this variant may impact gene splicing. In the absence of RNA/functional studies, the actual effect of this sequence change is unknown.

NM_020937.4(FANCM):c.760-9T>A

Gene: FANCM (FA complementation group M; plus strand). Cytogenetic location: 14q21.2.
Variant type: single nucleotide variant.
Coding change: c.760-9T>A on transcript NM_020937.4 (MANE Select); 9 bases into the intron before coding-DNA position 760, T replaced by A.
Molecular consequence: intron variant.
Genome position (GRCh38, 1-based): chr14:45,148,828, T>A. VCF-style: chr14-45148828-T-A. GRCh37 (hg19) VCF-style: chr14-45618031-T-A.
Other names: c.682-9T>A (NM_001308133.2); c.760-9T>A (NM_001308134.2).
Identifiers: ClinVar variation 2412864 (VCV002412864.5), dbSNP rs2503083810, ClinGen allele CA2529859210.